The following is an entry in ClinVar:

NM_020631.6(PLEKHG5):c.1495C>G (p.Leu499Val)

Gene: PLEKHG5 (pleckstrin homology and RhoGEF domain containing G5; minus strand). Cytogenetic location: 1p36.31.
Variant type: single nucleotide variant.
Coding change: c.1495C>G on transcript NM_020631.6 (MANE Select); coding-DNA position 1495, C replaced by G.
Protein change: p.Leu499Val; replaces leucine 499 with valine.
Molecular consequence: missense variant.
Genome position (GRCh38, 1-based): chr1:6,470,782, G>C on the plus strand (C>G on the coding strand, the complement: PLEKHG5 is on the minus strand). VCF-style: chr1-6470782-G-C. GRCh37 (hg19) VCF-style: chr1-6530842-G-C.
Other names: c.1606C>G, p.Leu536Val (NM_001042663.3, NM_001265592.2); c.1495C>G, p.Leu499Val (NM_001042664.2, NM_001042665.2, NM_001265594.3 and 1 more transcripts); c.1702C>G, p.Leu568Val (NM_001265593.2); short protein forms L499V, L568V, L536V.
Identifiers: ClinVar variation 424302 (VCV000424302.7), dbSNP rs1064796900, ClinGen allele CA16617178.
Genomic context (GRCh38, chr1:6,470,782, plus strand): 5'-CCATCAGGGTTACCATGGCGACGACGGCCTCCTTGGCGCGCGGCTCCTCGGTCTTCCTCA[G>C]CACCGACTTGAGCAGCAGCGGGTACTTGGTGAGCCGCTGGTGGGGTTTGGCCAGCATGTC-3'
Protein context (NP_065682.2, residues 489-509): TKYPLLLKSV[Leu499Val]RKTEEPRAKE

ClinVar aggregate classification (germline): Uncertain significance. Review status: criteria provided, multiple submitters, no conflicts (2 of 4 stars). 2 submissions from 2 submitters: Uncertain significance (2). Last evaluated 2022-08-21.

Conditions:
Neuronopathy, distal hereditary motor, autosomal recessive 4. Also called: NEUROPATHY, DISTAL HEREDITARY MOTOR, AUTOSOMAL RECESSIVE 4; Autosomal recessive lower motor neuron disease with childhood onset. Identifiers: Orphanet 206580, MedGen C1970211, MONDO:0012608, OMIM 611067.
Charcot-Marie-Tooth disease recessive intermediate C. Also called: CHARCOT-MARIE-TOOTH NEUROPATHY, RECESSIVE INTERMEDIATE C. Identifiers: Orphanet 369867, MedGen C3809309, MONDO:0014154, OMIM 615376.

Submissions (2):

Labcorp Genetics (formerly Invitae), Labcorp
Classification: Uncertain significance for Neuronopathy, distal hereditary motor, autosomal recessive 4; Charcot-Marie-Tooth disease recessive intermediate C. Last evaluated: 2022-08-21. Review status: criteria provided, single submitter. Criteria: Invitae Variant Classification Sherloc (09022015). Collection method: clinical testing. Allele origin: germline.
Comment: In summary, the available evidence is currently insufficient to determine the role of this variant in disease. Therefore, it has been classified as a Variant of Uncertain Significance. Algorithms developed to predict the effect of missense changes on protein structure and function are either unavailable or do not agree on the potential impact of this missense change (SIFT: "Tolerated"; PolyPhen-2: "Possibly Damaging"; Align-GVGD: "Class C0"). ClinVar contains an entry for this variant (Variation ID: 424302). This variant has not been reported in the literature in individuals affected with PLEKHG5-related conditions. This variant is not present in population databases (gnomAD no frequency). This sequence change replaces leucine, which is neutral and non-polar, with valine, which is neutral and non-polar, at codon 499 of the PLEKHG5 protein (p.Leu499Val).

GeneDx
Classification: Uncertain significance. Last evaluated: 2017-03-14. Review status: criteria provided, single submitter. Criteria: GeneDx Variant Classification (06012015). Collection method: clinical testing. Allele origin: germline. Affected: yes.
Comment: The c.1495 C>G variant has not been published as a pathogenic variant, nor has it been reported as a benign variant to our knowledge. The c.1495 C>G variant is not observed in large population cohorts (Lek et al., 2016; 1000 Genomes Consortium et al., 2015; Exome Variant Server). Multiple in-silico splice prediction models predict that c.1495 C>G creates a cryptic splice donor site which may supplant the natural donor site and lead to abnormal gene splicing. However, in the absence of RNA/functional studies the actual effect of c.1495 C>G on splicing in this individual is unknown. If c.1495 C>G does not alter splicing, it will result in the L499V missense change. The L499V variant is a conservative amino acid substitution, which is not likely to impact secondary protein structure as these residues share similar properties. However, this substitution occurs at a position that is conserved across species, and in silico analysis is inconsistent in its predictions as to whether or not the variant is damaging to the protein structure/function.